The following is an entry in ClinVar:

ClinVar aggregate classification (germline): Uncertain significance (1 of 4 stars; one submission).

Conditions:
Familial thoracic aortic aneurysm and aortic dissection (TAAD). Also called: Thoracic aortic aneurysms and dissections. Identifiers: Orphanet 91387, MedGen C4707243, MONDO:0019625.

Submission:

Color Diagnostics, LLC DBA Color Health
Classification: Uncertain significance for Familial thoracic aortic aneurysm and aortic dissection. Last evaluated: 2025-09-18. Review status: criteria provided, single submitter. Criteria: ACMG Guidelines, 2015. Collection method: clinical testing. Allele origin: germline.
Comment: This missense variant replaces serine with proline at codon 1409 of the FBN1 protein. Computational prediction is inconclusive regarding the impact of this variant on protein structure and function. To our knowledge, functional studies have not been reported for this variant. This variant has not been reported in individuals affected with FBN1-related disorders in the literature. This variant has not been identified in the general population by the Genome Aggregation Database (gnomAD). The available evidence is insufficient to determine the role of this variant in disease conclusively. Therefore, this variant is classified as a Variant of Uncertain Significance.

NM_000138.5(FBN1):c.4225T>C (p.Ser1409Pro)

Genes: FBN1 (fibrillin 1; minus strand), LOC126862124 (CDK7 strongly-dependent group 2 enhancer GRCh37_chr15:48764566-48765765; plus strand). Cytogenetic location: 15q21.1.
Variant type: single nucleotide variant.
Coding change: c.4225T>C on transcript NM_000138.5 (MANE Select); coding-DNA position 4225, T replaced by C.
Protein change: p.Ser1409Pro; replaces serine 1409 with proline.
Molecular consequence: missense variant.
Genome position (GRCh38, 1-based): chr15:48,472,662, A>G on the plus strand (T>C on the coding strand, the complement: FBN1 is on the minus strand). VCF-style: chr15-48472662-A-G. GRCh37 (hg19) VCF-style: chr15-48764859-A-G.
Other names: c.4225T>C, p.Ser1409Pro (NM_001406716.1); short protein forms S1409P.
Identifiers: ClinVar variation 4756389 (VCV004756389.1).
Genomic context (GRCh38, chr15:48,472,662, plus strand): 5'-AGCGGTATCCTCCTGGTGCATTGAGGCACTGGCCATTGCCACAGAGATTCAGGTTCTCAG[A>G]GCACTCATCAAGGTCTACAGCCAGAAAGAAACACACGTTACTCTTCCTCGGTTAGGGGCT-3'
Protein context (NP_000129.3, residues 1399-1419): GFTCTDLDEC[Ser1409Pro]ENLNLCGNGQ